The following is an entry in ClinVar:

ClinVar aggregate classification (germline): Uncertain significance (1 of 4 stars; one submission).

Conditions:
Developmental and epileptic encephalopathy, 36 (DEE36). Also called: Epileptic encephalopathy, early infantile, 36; Congenital disorder of glycosylation, type Is; ALG13-CDG. Identifiers: Orphanet 324422, MedGen C4317295, MONDO:0010472, OMIM 300884.

Allele frequency attached by ClinVar (database versions not stated): gnomAD exomes below 0.00001; gnomAD 0.00003; TOPMed 0.00003.
gnomAD v4.1: 6 of 1,183,246 alleles (0.00051%); highest among the groups gnomAD compares: Admixed American, 0.014%; no homozygotes.

Submission:

Labcorp Genetics (formerly Invitae), Labcorp
Classification: Uncertain significance for Developmental and epileptic encephalopathy, 36. Last evaluated: 2023-12-10. Review status: criteria provided, single submitter. Criteria: Invitae Variant Classification Sherloc (09022015). Collection method: clinical testing. Allele origin: germline.
Comment: This sequence change replaces alanine, which is neutral and non-polar, with threonine, which is neutral and polar, at codon 814 of the ALG13 protein (p.Ala814Thr). The frequency data for this variant in the population databases is considered unreliable, as metrics indicate poor data quality at this position in the gnomAD database. This variant has not been reported in the literature in individuals affected with ALG13-related conditions. Advanced modeling of protein sequence and biophysical properties (such as structural, functional, and spatial information, amino acid conservation, physicochemical variation, residue mobility, and thermodynamic stability) performed at Invitae indicates that this missense variant is not expected to disrupt ALG13 protein function with a negative predictive value of 80%. In summary, the available evidence is currently insufficient to determine the role of this variant in disease. Therefore, it has been classified as a Variant of Uncertain Significance.

NM_001099922.3(ALG13):c.2440G>A (p.Ala814Thr)

Gene: ALG13 (ALG13 UDP-N-acetylglucosaminyltransferase subunit; plus strand). Cytogenetic location: Xq23.
Variant type: single nucleotide variant.
Coding change: c.2440G>A on transcript NM_001099922.3 (MANE Select); coding-DNA position 2440, G replaced by A.
Protein change: p.Ala814Thr; replaces alanine 814 with threonine.
Molecular consequence: missense variant. On other transcripts: non-coding transcript variant (1).
Genome position (GRCh38, 1-based): chrX:111,730,563, G>A. VCF-style: chrX-111730563-G-A. GRCh37 (hg19) VCF-style: chrX-110973791-G-A.
Other names: c.2128G>A, p.Ala710Thr (NM_001257230.2, NM_001257234.2, NM_001257237.2); c.2206G>A, p.Ala736Thr (NM_001257231.2); c.2440G>A, p.Ala814Thr (NM_001324292.2); c.1954G>A, p.Ala652Thr (NM_001324293.1); short protein forms A652T, A710T, A736T, A814T.
Identifiers: ClinVar variation 3009084 (VCV003009084.3), dbSNP rs1426287980, ClinGen allele CA414254067.